The following is an entry in ClinVar:

ClinVar aggregate classification (germline): Uncertain significance. Review status: criteria provided, multiple submitters, no conflicts (2 of 4 stars). 2 submissions from 2 submitters: Uncertain significance (2). Last evaluated 2025-10-24.

Conditions:
Bethlem myopathy 1A. Also called: MYOPATHY, BENIGN CONGENITAL, WITH CONTRACTURES; Bethlem myopathy 1; Bethlem Muscular Dystrophy. Identifiers: Orphanet 610, MedGen CN029274, MONDO:0024530, OMIM 158810.
Inborn genetic diseases. Identifiers: MedGen C0950123, MeSH D030342.

Submissions (2):

Ambry Genetics
Classification: Uncertain significance for Inborn genetic diseases. Last evaluated: 2025-10-24. Review status: criteria provided, single submitter. Criteria: Ambry Variant Classification Scheme 2023. Collection method: clinical testing. Allele origin: germline.

Labcorp Genetics (formerly Invitae), Labcorp
Classification: Uncertain significance for Bethlem myopathy 1A. Last evaluated: 2024-11-24. Review status: criteria provided, single submitter. Criteria: Invitae Variant Classification Sherloc (09022015). Collection method: clinical testing. Allele origin: germline.
Comment: This sequence change replaces glycine, which is neutral and non-polar, with serine, which is neutral and polar, at codon 152 of the COL6A2 protein (p.Gly152Ser). This variant is present in population databases (rs762918230, gnomAD 0.0009%). This variant has not been reported in the literature in individuals affected with COL6A2-related conditions. Invitae Evidence Modeling of protein sequence and biophysical properties (such as structural, functional, and spatial information, amino acid conservation, physicochemical variation, residue mobility, and thermodynamic stability) indicates that this missense variant is not expected to disrupt COL6A2 protein function with a negative predictive value of 80%. In summary, the available evidence is currently insufficient to determine the role of this variant in disease. Therefore, it has been classified as a Variant of Uncertain Significance.

NM_001849.4(COL6A2):c.454G>A (p.Gly152Ser)

Gene: COL6A2 (collagen type VI alpha 2 chain; plus strand). Cytogenetic location: 21q22.3.
Variant type: single nucleotide variant.
Coding change: c.454G>A on transcript NM_001849.4 (MANE Select); coding-DNA position 454, G replaced by A.
Protein change: p.Gly152Ser; replaces glycine 152 with serine.
Molecular consequence: missense variant.
Genome position (GRCh38, 1-based): chr21:46,112,317, G>A. VCF-style: chr21-46112317-G-A. GRCh37 (hg19) VCF-style: chr21-47532231-G-A.
Other names: c.454G>A, p.Gly152Ser (NM_058174.3, NM_058175.3); short protein forms G152S.
Identifiers: ClinVar variation 3692948 (VCV003692948.3).